The following is an entry in ClinVar:

ClinVar aggregate classification (germline): Uncertain significance (1 of 4 stars; one submission).

Conditions:
Androgen resistance syndrome (AIS). Also called: ANDROGEN RECEPTOR DEFICIENCY; DIHYDROTESTOSTERONE RECEPTOR DEFICIENCY; TESTICULAR FEMINIZATION SYNDROME; Androgen insensitivity syndrome; Androgen insensitivity, complete; Androgen insensitivity syndrome due to coactivator deficiency. Identifiers: Orphanet 754, Orphanet 99429, MedGen C0039585, MONDO:0019154, OMIM 300068. Disease mechanism: loss of function.

Submission:

Center of Excellence of Human Genetics, National Research Center
Classification: Uncertain significance for Androgen resistance syndrome. Review status: criteria provided, single submitter. Criteria: ACMG Guidelines, 2015. Collection method: clinical testing. Allele origin: unknown. Affected: yes.
Comment: The variant is not reported in population datasets, and computational tools confirm its pathogenicity (MetaLR: deleterious (0.97), AlphaMissense: deleterious (0.98)). It has not been reported before in the literature. These evidences confirm the classification of a variant of uncertain significance (PM1-PM2-PP2).

Literature cited by the submitters: PubMed 32784047.

NM_000044.6(AR):c.2502C>G (p.Asn834Lys)

Gene: AR (androgen receptor; plus strand). Cytogenetic location: Xq12.
Variant type: single nucleotide variant.
Coding change: c.2502C>G on transcript NM_000044.6 (MANE Select); coding-DNA position 2502, C replaced by G.
Protein change: p.Asn834Lys; replaces asparagine 834 with lysine.
Molecular consequence: missense variant.
Genome position (GRCh38, 1-based): chrX:67,722,879, C>G. VCF-style: chrX-67722879-C-G. GRCh37 (hg19) VCF-style: chrX-66942721-C-G.
Other names: p.Asn834Lys; c.906C>G, p.Asn302Lys (NM_001011645.3); short protein forms N302K, N834K.
Identifiers: ClinVar variation 4081596 (VCV004081596.1).